The following is an entry in ClinVar:

ClinVar aggregate classification (germline): Pathogenic (1 of 4 stars; one submission).

Submission:

GeneDx
Classification: Pathogenic. Last evaluated: 2013-01-14. Review status: criteria provided, single submitter. Criteria: GeneDx Variant Classification (06012015). Collection method: clinical testing. Allele origin: germline. Affected: yes.
Comment: c.1819delT: p.Ser607ProfsX16 (S607PfsX16) in exon 11 of the SCN1A gene (NM_001165963.1). The normal sequence with the bases that are deleted in braces is: AGAT{T}CCTTG. The c.1819delT mutation in the SCN1A gene causes a frameshift starting with codon Serine 607, changes this amino acid to a Proline residue and creates a premature Stop codon at position 16 of the new reading frame, denoted p.Ser607ProfsX16. This mutation is predicted to cause loss of normal protein function either through protein truncation or nonsense-mediated mRNA decay. Although this mutation has not been previously reported to our knowledge, many other frameshift mutations have been reported in the SCN1A gene in association with epilepsy. Therefore, the presence of c.1819delT is consistent with a diagnosis of an SCN1A-related disorder. The variant is found in INFANT-EPI panel(s).

NM_001165963.4(SCN1A):c.1819del (p.Ser607fs)

Gene: SCN1A (sodium voltage-gated channel alpha subunit 1; minus strand). Cytogenetic location: 2q24.3.
Variant type: Deletion.
Coding change: c.1819del on transcript NM_001165963.4 (MANE Select); coding-DNA position 1819, one base deleted (T; older notation c.1819delT).
Protein change: p.Ser607fs; shifts the reading frame from serine 607.
Molecular consequence: frameshift variant. On other transcripts: 5 prime UTR variant (1), non-coding transcript variant (1).
Genome position (GRCh38, 1-based): chr2:166,043,893, A deleted on the plus strand (T on the coding strand, the reverse complement: SCN1A is on the minus strand); the first of 2 consecutive A bases (chr2:166,043,893-166,043,894); deleting either gives the same sequence. VCF-style (leftmost placement, unchanged base first): chr2-166043892-GA-G. GRCh37 (hg19) VCF-style: chr2-166900402-GA-G.
Other names: c.1819del, p.Ser607fs (NM_001165964.3, NM_001202435.3, NM_001353948.2 and 7 more transcripts); c.1816del, p.Ser606fs (NM_001353954.2, NM_001353955.2, NM_001353960.2); c.-607del (NM_001353961.2); short protein forms S607fs, S606fs.
Identifiers: ClinVar variation 206900 (VCV000206900.1), dbSNP rs796053062, ClinGen allele CA317709.